The following is an entry in ClinVar:

NM_000455.5(STK11):c.1184_1185del (p.Thr395fs)

Gene: STK11 (serine/threonine kinase 11; plus strand). Cytogenetic location: 19p13.3.
Variant type: Microsatellite.
Coding change: c.1184_1185del on transcript NM_000455.5 (MANE Select); coding-DNA positions 1184 to 1185, 2 bases deleted (CA; older notation c.1184_1185delCA).
Protein change: p.Thr395fs; shifts the reading frame from threonine 395.
Molecular consequence: frameshift variant.
Genome position (GRCh38, 1-based): chr19:1,226,529-1,226,530, CA deleted; deleting any 2 consecutive bases within chr19:1,226,527-1,226,530 gives the same sequence; the c. name uses the placement nearest the transcript's 3' end. VCF-style (leftmost placement, unchanged base first): chr19-1226526-GCA-G. GRCh37 (hg19) VCF-style: chr19-1226525-GCA-G.
Other names: c.1182_1183CA[1], p.Thr395Argfs (NM_000455.4); c.1184_1185delCA (NM_000455.4); short protein forms T395fs.
Identifiers: ClinVar variation 1742885 (VCV001742885.2), dbSNP rs2512954944, ClinGen allele CA2580612584.

ClinVar aggregate classification (germline): Uncertain significance (1 of 4 stars; one submission).

Conditions:
Hereditary cancer-predisposing syndrome. Also called: Hereditary Cancer Syndrome; Hereditary neoplastic syndrome; Neoplastic Syndromes, Hereditary; Tumor predisposition. Identifiers: Orphanet 140162, MedGen C0027672, MeSH D009386, MONDO:0015356.

Submission:

Ambry Genetics
Classification: Uncertain significance for Hereditary cancer-predisposing syndrome. Last evaluated: 2021-06-25. Review status: criteria provided, single submitter. Criteria: Ambry Variant Classification Scheme 2023. Collection method: clinical testing. Allele origin: germline.
Comment: The c.1184_1185delCA variant, located in coding exon 9 of the STK11 gene, results from a deletion of two nucleotides at nucleotide positions 1184 to 1185, causing a translational frameshift with a predicted alternate stop codon (p.T395Rfs*208). This alteration occurs at the 3' terminus of theSTK11 gene, is not expected to trigger nonsense-mediated mRNAdecay and results in the elongation of the protein by 169 amino acids. This frameshift impacts the last 39 AAamino acids of the native protein. The exact functional effect of the altered amino acids is unknown. Since supporting evidence is limited at this time, the clinical significance of this alteration remains unclear.